The following is an entry in ClinVar:

ClinVar aggregate classification (germline): Uncertain significance (1 of 4 stars; one submission).

Allele frequency attached by ClinVar (database versions not stated): gnomAD exomes below 0.00001.
gnomAD v4.1: 1 of 1,592,230 alleles (0.000063%); highest among the groups gnomAD compares: Non-Finnish European, 0.000085%; no homozygotes.

Submission:

Labcorp Genetics (formerly Invitae), Labcorp
Classification: Uncertain significance. Last evaluated: 2022-02-18. Review status: criteria provided, single submitter. Criteria: Invitae Variant Classification Sherloc (09022015). Collection method: clinical testing. Allele origin: germline.
Comment: This variant has not been reported in the literature in individuals affected with MPDZ-related conditions. Algorithms developed to predict the effect of missense changes on protein structure and function (SIFT, PolyPhen-2, Align-GVGD) all suggest that this variant is likely to be disruptive. In summary, the available evidence is currently insufficient to determine the role of this variant in disease. Therefore, it has been classified as a Variant of Uncertain Significance. This variant is not present in population databases (gnomAD no frequency). This sequence change replaces tyrosine, which is neutral and polar, with cysteine, which is neutral and slightly polar, at codon 394 of the MPDZ protein (p.Tyr394Cys).

NM_001378778.1(MPDZ):c.1181A>G (p.Tyr394Cys)

Gene: MPDZ (multiple PDZ domain crumbs cell polarity complex component; minus strand). Cytogenetic location: 9p23.
Variant type: single nucleotide variant.
Coding change: c.1181A>G on transcript NM_001378778.1 (MANE Select); coding-DNA position 1181, A replaced by G.
Protein change: p.Tyr394Cys; replaces tyrosine 394 with cysteine.
Molecular consequence: missense variant.
Genome position (GRCh38, 1-based): chr9:13,217,200, T>C on the plus strand (A>G on the coding strand, the complement: MPDZ is on the minus strand). VCF-style: chr9-13217200-T-C. GRCh37 (hg19) VCF-style: chr9-13217199-T-C.
Other names: c.1181A>G, p.Tyr394Cys (NM_001261406.2, NM_001261407.2, NM_001330637.2 and 14 more transcripts); short protein forms Y394C.
Identifiers: ClinVar variation 2065118 (VCV002065118.4), dbSNP rs2497057251, ClinGen allele CA372944768.